The following is an entry in ClinVar:

ClinVar aggregate classification (germline): Uncertain significance (1 of 4 stars; one submission).

Submission:

Greenwood Genetic Center Diagnostic Laboratories, Greenwood Genetic Center
Classification: Uncertain significance. Last evaluated: 2023-11-02. Review status: criteria provided, single submitter. Criteria: ACMG Guidelines, 2015. Collection method: clinical testing. Allele origin: germline. Affected: yes.
Comment: PM2

NM_005909.5(MAP1B):c.483C>A (p.Asn161Lys)

Gene: MAP1B (microtubule associated protein 1B; plus strand). Cytogenetic location: 5q13.2.
Variant type: single nucleotide variant.
Coding change: c.483C>A on transcript NM_005909.5 (MANE Select); coding-DNA position 483, C replaced by A.
Protein change: p.Asn161Lys; replaces asparagine 161 with lysine.
Molecular consequence: missense variant.
Genome position (GRCh38, 1-based): chr5:72,186,727, C>A. VCF-style: chr5-72186727-C-A. GRCh37 (hg19) VCF-style: chr5-71482554-C-A.
Other names: c.105C>A, p.Asn35Lys (NM_001324255.2); short protein forms N161K, N35K.
Identifiers: ClinVar variation 2692589 (VCV002692589.1), dbSNP rs753827371, ClinGen allele CA359989913.